The following is an entry in ClinVar:

ClinVar aggregate classification (germline): Benign/Likely benign. Review status: criteria provided, multiple submitters, no conflicts (2 of 4 stars). 7 submissions from 7 submitters: Benign (2); Likely benign (5). Last evaluated 2026-02-04.

Conditions:
Congenital ichthyosis of skin. Identifiers: MedGen C0020758.
Autosomal recessive congenital ichthyosis 4B (ARCI4B). Also called: Ichthyosis, congenital, autosomal recessive 4B (harlequin); HARLEQUIN ICHTHYOSIS; ICHTHYOSIS CONGENITA, HARLEQUIN FETUS TYPE; Harlequin Fetus. Identifiers: Orphanet 457, MedGen C0598226, MONDO:0009443, OMIM 242500.

Allele frequency attached by ClinVar (database versions not stated): 1000 Genomes Project 0.00180; 1000 Genomes Project 30x 0.00203; gnomAD 0.00550 and 0.00560; ExAC 0.00553; gnomAD exomes 0.00565 and 0.00834; TOPMed 0.00574; ESP Exome Variant Server 0.00615.
gnomAD v4.1: 13,087 of 1,613,962 alleles (0.81%); highest among the groups gnomAD compares: Non-Finnish European, 0.97%; 76 homozygotes.

Submissions (7):

Labcorp Genetics (formerly Invitae), Labcorp
Classification: Benign. Last evaluated: 2026-02-04. Review status: criteria provided, single submitter. Criteria: Invitae Variant Classification Sherloc (09022015). Collection method: clinical testing. Allele origin: germline.

CeGaT Center for Human Genetics Tuebingen
Classification: Likely benign. Last evaluated: 2026-02-01. Review status: criteria provided, single submitter. Criteria: CeGaT Center For Human Genetics Tuebingen Variant Classification Criteria Version 2. Collection method: clinical testing. Allele origin: germline. Affected: yes. Observed: 3 variant alleles.
Comment: ABCA12: BS2

Blueprint Genetics
Classification: Likely benign. Last evaluated: 2024-11-22. Review status: criteria provided, single submitter. Criteria: ACMG Guidelines, 2015. Collection method: clinical testing. Allele origin: germline.

Department of Pathology and Laboratory Medicine, Sinai Health System
Classification: Likely benign for autosomal recessive congenital ichthyosis 4B. Last evaluated: 2021-07-30. Review status: criteria provided, single submitter. Criteria: ACMG Guidelines, 2015. Collection method: research. Allele origin: germline.

Illumina Laboratory Services, Illumina
Classification: Likely benign for Congenital ichthyosis of skin. Last evaluated: 2018-01-13. Review status: criteria provided, single submitter. Criteria: ICSL Variant Classification Criteria 13 December 2019. Collection method: clinical testing. Allele origin: germline.
Comment: This variant was observed in the ICSL laboratory as part of a predisposition screen in an ostensibly healthy population. It had not been previously curated by ICSL or reported in the Human Gene Mutation Database (HGMD: prior to June 1st, 2018), and was therefore a candidate for classification through an automated scoring system. Utilizing variant allele frequency, disease prevalence and penetrance estimates, and inheritance mode, an automated score was calculated to assess if this variant is too frequent to cause the disease. Based on the score and internal cut-off values, a variant classified as likely benign is not then subjected to further curation. The score for this variant resulted in a classification of likely benign for this disease.

GeneDx
Classification: Benign. Last evaluated: 2015-05-11. Review status: criteria provided, single submitter. Criteria: GeneDx Variant Classification (06012015). Collection method: clinical testing. Allele origin: germline. Affected: yes.
Comment: This variant is considered likely benign or benign based on one or more of the following criteria: it is a conservative change, it occurs at a poorly conserved position in the protein, it is predicted to be benign by multiple in silico algorithms, and/or has population frequency not consistent with disease.

Breakthrough Genomics
Classification: Likely benign. Review status: criteria provided, single submitter. Criteria: ACMG Guidelines, 2015. Collection method: not provided. Allele origin: germline. Inheritance: Autosomal recessive inheritance. Affected: yes.

NM_173076.3(ABCA12):c.4225A>G (p.Ile1409Val)

Gene: ABCA12 (ATP binding cassette subfamily A member 12; minus strand). Cytogenetic location: 2q35.
Variant type: single nucleotide variant.
Coding change: c.4225A>G on transcript NM_173076.3 (MANE Select); coding-DNA position 4225, A replaced by G.
Protein change: p.Ile1409Val; replaces isoleucine 1409 with valine.
Molecular consequence: missense variant. On other transcripts: non-coding transcript variant (1).
Genome position (GRCh38, 1-based): chr2:214,983,804, T>C on the plus strand (A>G on the coding strand, the complement: ABCA12 is on the minus strand). VCF-style: chr2-214983804-T-C. GRCh37 (hg19) VCF-style: chr2-215848528-T-C.
Other names: c.3271A>G, p.Ile1091Val (NM_015657.4); short protein forms I1409V, I1091V.
Identifiers: ClinVar variation 334245 (VCV000334245.48), dbSNP rs149610963, ClinGen allele CA2091515.